The following is an entry in ClinVar:

NM_000093.5(COL5A1):c.3205-11_3205-10delinsAT

Gene: COL5A1 (collagen type V alpha 1 chain; plus strand). Cytogenetic location: 9q34.3.
Variant type: Indel.
Coding change: c.3205-11_3205-10delinsAT on transcript NM_000093.5 (MANE Select); 11 bases into the intron before coding-DNA position 3205 through 10 bases into the intron before coding-DNA position 3205, TG replaced by AT.
Molecular consequence: intron variant.
Genome position (GRCh38, 1-based): chr9:134,805,150-134,805,151, TG replaced by AT. VCF-style: chr9-134805150-TG-AT. GRCh37 (hg19) VCF-style: chr9-137696996-TG-AT.
Other names: c.3205-11_3205-10delinsAT (NM_001278074.1).
Identifiers: ClinVar variation 3692740 (VCV003692740.2).

ClinVar aggregate classification (germline): Uncertain significance (1 of 4 stars; one submission).

Conditions:
Ehlers-Danlos syndrome, classic type, 1 (EDSCL1). Also called: EHLERS-DANLOS SYNDROME, GRAVIS TYPE; EHLERS-DANLOS SYNDROME, SEVERE CLASSIC TYPE; Ehlers-Danlos syndrome, type 1; Ehlers-Danlos Syndrome, Classic Type, COL5A1-Related; EDS I. Identifiers: MedGen C0268335, MONDO:0019567, OMIM 130000.

Submission:

Labcorp Genetics (formerly Invitae), Labcorp
Classification: Uncertain significance for Ehlers-Danlos syndrome, classic type, 1. Last evaluated: 2024-07-03. Review status: criteria provided, single submitter. Criteria: Invitae Variant Classification Sherloc (09022015). Collection method: clinical testing. Allele origin: germline.
Comment: This sequence change falls in intron 40 of the COL5A1 gene. It does not directly change the encoded amino acid sequence of the COL5A1 protein. Information on the frequency of this variant in the gnomAD database is not available, as this variant may be reported differently in the database. This variant has not been reported in the literature in individuals affected with COL5A1-related conditions. Experimental studies and prediction algorithms are not available or were not evaluated, and the effect of this variant on mRNA splicing is currently unknown. In summary, the available evidence is currently insufficient to determine the role of this variant in disease. Therefore, it has been classified as a Variant of Uncertain Significance.